The following is an entry in ClinVar:

NM_000321.3(RB1):c.54_76del (p.Glu19fs)

Gene: RB1 (RB transcriptional corepressor 1; plus strand). Cytogenetic location: 13q14.2.
Variant type: Deletion.
Coding change: c.54_76del on transcript NM_000321.3 (MANE Select); coding-DNA positions 54 to 76, 23 bases deleted (GGAACCCCCGGCACCGCCGCCGC).
Protein change: p.Glu19fs; shifts the reading frame from glutamic acid 19.
Molecular consequence: frameshift variant.
Genome position (GRCh38, 1-based): chr13:48,303,966-48,303,988, GGAACCCCCGGCACCGCCGCCGC deleted; deleting any 23 consecutive bases within chr13:48,303,958-48,303,988 gives the same sequence; the c. name uses the placement nearest the transcript's 3' end. VCF-style (leftmost placement, unchanged base first): chr13-48303957-TGCCGCCGCGGAACCCCCGGCACC-T. GRCh37 (hg19) VCF-style: chr13-48878093-TGCCGCCGCGGAACCCCCGGCACC-T.
Other names: p.Glu19Alafs*4; c.54_76del, p.Glu19fs (NM_001407167.1, NM_001407165.1, NM_001407166.1); c.54_76del23, p.Glu19Alafs (NM_000321.2); short protein forms E19fs.
Identifiers: ClinVar variation 4541777 (VCV004541777.1).

ClinVar aggregate classification (germline): Pathogenic (1 of 4 stars; one submission).

Submission:

Mayo Clinic Laboratories, Mayo Clinic
Classification: Pathogenic. Last evaluated: 2025-10-29. Review status: criteria provided, single submitter. Criteria: ACMG Guidelines, 2015. Collection method: clinical testing. Allele origin: germline. Observed: 1 variant allele.
Comment: PP4, PM2_supporting, PS4_moderate, PVS1

Literature cited by the submitters: PubMed 27582626; PubMed 34680218; PubMed 37602348.